The following is an entry in ClinVar:

ClinVar aggregate classification (germline): Uncertain significance. Review status: reviewed by expert panel (3 of 4 stars). 3 submissions from 3 submitters: Uncertain significance (1). 2 of the submissions do not count toward it. Last evaluated 2025-05-02.

Conditions:
Hereditary thrombocytopenia and hematologic cancer predisposition syndrome. Identifiers: Orphanet 71290, MedGen CN281654, MONDO:0011071.
Inborn genetic diseases. Identifiers: MedGen C0950123, MeSH D030342.
Hereditary thrombocytopenia and hematological cancer predisposition syndrome associated with RUNX1. Also called: Familial Platelet Disorder with Propensity to Acute Myelogenous Leukemia; Familial thrombocytopenia with propensity to acute myelogenous leukemia; RUNX1 Familial Platelet Disorder with Associated Myeloid Malignancies; PLATELET DISORDER, ASPIRIN-LIKE. Identifiers: Orphanet 71290, MedGen C1832388, MeSH C563324, MONDO:0100083, OMIM 601399.

Allele frequency attached by ClinVar (database versions not stated): gnomAD exomes below 0.00001.
gnomAD v4.1: 2 of 1,478,180 alleles (0.00014%); highest among the groups gnomAD compares: East Asian, 0.0028%; no homozygotes.

Submissions (3):

ClinGen Myeloid Malignancy Variant Curation Expert Panel
Classification: Uncertain significance for Hereditary thrombocytopenia and hematologic cancer predisposition syndrome. Last evaluated: 2025-05-02. Review status: reviewed by expert panel. Criteria: ClinGen MyeloMalig ACMG Specifications v2. Collection method: curation. Allele origin: germline. Inheritance: Autosomal dominant inheritance.
Comment: NM_001754.5(RUNX1):c.1244A>C (p.Gln415Pro) is a missense variant that is completely absent from all population databases with at least 20x coverage for RUNX1 (PM2_supporting). In summary, the clinical significance of this variant is uncertain. ACMG/AMP criteria applied, as specified by the Myeloid Malignancy Variant Curation Expert Panel for RUNX1: PM2_supporting

Ambry Genetics
Classification: Uncertain significance for Inborn genetic diseases. Last evaluated: 2026-03-21. Review status: criteria provided, single submitter. Criteria: Ambry Variant Classification Scheme 2023. Collection method: clinical testing. Allele origin: germline. Not counted in ClinVar's aggregate classification.
Comment: The p.Q415P variant (also known as c.1244A>C), located in coding exon 8 of the RUNX1 gene, results from an A to C substitution at nucleotide position 1244. The glutamine at codon 415 is replaced by proline, an amino acid with similar properties. This amino acid position is conserved. In addition, the in silico prediction for this alteration is inconclusive. Based on the available evidence, the clinical significance of this variant remains unclear.

Labcorp Genetics (formerly Invitae), Labcorp
Classification: Uncertain significance for Hereditary thrombocytopenia and hematological cancer predisposition syndrome associated with RUNX1. Last evaluated: 2020-10-05. Review status: criteria provided, single submitter. Criteria: Invitae Variant Classification Sherloc (09022015). Collection method: clinical testing. Allele origin: germline. Not counted in ClinVar's aggregate classification.
Comment: In summary, the available evidence is currently insufficient to determine the role of this variant in disease. Therefore, it has been classified as a Variant of Uncertain Significance. Algorithms developed to predict the effect of missense changes on protein structure and function are either unavailable or do not agree on the potential impact of this missense change (SIFT: "Deleterious"; PolyPhen-2: "Possibly Damaging"; Align-GVGD: "Class C0"). This variant has not been reported in the literature in individuals with RUNX1-related conditions. This variant is not present in population databases (ExAC no frequency). This sequence change replaces glutamine with proline at codon 415 of the RUNX1 protein (p.Gln415Pro). The glutamine residue is highly conserved and there is a moderate physicochemical difference between glutamine and proline.

NM_001754.5(RUNX1):c.1244A>C (p.Gln415Pro)

Gene: RUNX1 (RUNX family transcription factor 1; minus strand). Cytogenetic location: 21q22.12.
Variant type: single nucleotide variant.
Coding change: c.1244A>C on transcript NM_001754.5 (MANE Select); coding-DNA position 1244, A replaced by C.
Protein change: p.Gln415Pro; replaces glutamine 415 with proline.
Molecular consequence: missense variant.
Genome position (GRCh38, 1-based): chr21:34,792,334, T>G on the plus strand (A>C on the coding strand, the complement: RUNX1 is on the minus strand). VCF-style: chr21-34792334-T-G. GRCh37 (hg19) VCF-style: chr21-36164631-T-G.
Other names: NM_001754.5(RUNX1):c.1244A>C; p.Gln415Pro; c.1163A>C, p.Gln388Pro (NM_001001890.3); c.1244A>C (NM_001754.4); short protein forms Q388P, Q415P.
Identifiers: ClinVar variation 1010850 (VCV001010850.11), dbSNP rs2056452722, ClinGen allele CA410147680.